The following is an entry in ClinVar:

ClinVar aggregate classification (germline): Uncertain significance (1 of 4 stars; one submission).

Submission:

Labcorp Genetics (formerly Invitae), Labcorp
Classification: Uncertain significance. Last evaluated: 2023-06-11. Review status: criteria provided, single submitter. Criteria: Invitae Variant Classification Sherloc (09022015). Collection method: clinical testing. Allele origin: germline.
Comment: In summary, the available evidence is currently insufficient to determine the role of this variant in disease. Therefore, it has been classified as a Variant of Uncertain Significance. Advanced modeling of protein sequence and biophysical properties (such as structural, functional, and spatial information, amino acid conservation, physicochemical variation, residue mobility, and thermodynamic stability) performed at Invitae indicates that this missense variant is not expected to disrupt POLE protein function. ClinVar contains an entry for this variant (Variation ID: 1717223). This variant has not been reported in the literature in individuals affected with POLE-related conditions. This variant is not present in population databases (gnomAD no frequency). This sequence change replaces leucine, which is neutral and non-polar, with methionine, which is neutral and non-polar, at codon 2096 of the POLE protein (p.Leu2096Met).

NM_006231.4(POLE):c.6286C>A (p.Leu2096Met)

Gene: POLE (DNA polymerase epsilon, catalytic subunit; minus strand). Cytogenetic location: 12q24.33.
Variant type: single nucleotide variant.
Coding change: c.6286C>A on transcript NM_006231.4 (MANE Select); coding-DNA position 6286, C replaced by A.
Protein change: p.Leu2096Met; replaces leucine 2096 with methionine.
Molecular consequence: missense variant.
Genome position (GRCh38, 1-based): chr12:132,632,359, G>T on the plus strand (C>A on the coding strand, the complement: POLE is on the minus strand). VCF-style: chr12-132632359-G-T. GRCh37 (hg19) VCF-style: chr12-133208945-G-T.
Other names: short protein forms L2096M.
Identifiers: ClinVar variation 1717223 (VCV001717223.5), dbSNP rs1049603207, ClinGen allele CA387369375.
Genomic context (GRCh38, chr12:132,632,359, plus strand): 5'-ACGCTGGCACTCTCACCTTGCACACGTATTTGATGAACTCCAGGGCAGGGTTATTGAGCA[G>T]CAAGTGGGAACCGGGGAGGACAGGAAACATCTCTGAGAGCTCAGTGGAGTTCCGAGAGCC-3'
Protein context (NP_006222.2, residues 2086-2106): MFPVLPGSHL[Leu2096Met]LNNPALEFIK